The following is an entry in ClinVar:

ClinVar aggregate classification (germline): Uncertain significance (1 of 4 stars; one submission).

Allele frequency attached by ClinVar (database versions not stated): gnomAD 0.00009; TOPMed 0.00009; ESP Exome Variant Server 0.00017.
gnomAD v4.1: 24 of 1,566,134 alleles (0.0015%); highest among the groups gnomAD compares: African/African-American, 0.027%; no homozygotes.

Submission:

Labcorp Genetics (formerly Invitae), Labcorp
Classification: Uncertain significance. Last evaluated: 2025-09-29. Review status: criteria provided, single submitter. Criteria: Invitae Variant Classification Sherloc (09022015). Collection method: clinical testing. Allele origin: germline.
Comment: This sequence change replaces aspartic acid, which is acidic and polar, with alanine, which is neutral and non-polar, at codon 128 of the SAG protein (p.Asp128Ala). This variant is present in population databases (rs368490809, gnomAD 0.01%). This variant has not been reported in the literature in individuals affected with SAG-related conditions. ClinVar contains an entry for this variant (Variation ID: 2981773). Invitae Evidence Modeling of protein sequence and biophysical properties (such as structural, functional, and spatial information, amino acid conservation, physicochemical variation, residue mobility, and thermodynamic stability) indicates that this missense variant is not expected to disrupt SAG protein function with a negative predictive value of 80%. In summary, the available evidence is currently insufficient to determine the role of this variant in disease. Therefore, it has been classified as a Variant of Uncertain Significance.

NM_000541.5(SAG):c.383A>C (p.Asp128Ala)

Gene: SAG (S-antigen visual arrestin; plus strand). Cytogenetic location: 2q37.1.
Variant type: single nucleotide variant.
Coding change: c.383A>C on transcript NM_000541.5 (MANE Select); coding-DNA position 383, A replaced by C.
Protein change: p.Asp128Ala; replaces aspartic acid 128 with alanine.
Molecular consequence: missense variant.
Genome position (GRCh38, 1-based): chr2:233,322,953, A>C. VCF-style: chr2-233322953-A-C. GRCh37 (hg19) VCF-style: chr2-234231599-A-C.
Other names: short protein forms D128A.
Identifiers: ClinVar variation 2981773 (VCV002981773.3), dbSNP rs368490809, ClinGen allele CA2174360.